The following is an entry in ClinVar:

NM_006904.7(PRKDC):c.7708C>T (p.Pro2570Ser)

Gene: PRKDC (protein kinase, DNA-activated, catalytic subunit; minus strand). Cytogenetic location: 8q11.21.
Variant type: single nucleotide variant.
Coding change: c.7708C>T on transcript NM_006904.7 (MANE Select); coding-DNA position 7708, C replaced by T.
Protein change: p.Pro2570Ser; replaces proline 2570 with serine.
Molecular consequence: missense variant.
Genome position (GRCh38, 1-based): chr8:47,837,265, G>A on the plus strand (C>T on the coding strand, the complement: PRKDC is on the minus strand). VCF-style: chr8-47837265-G-A. GRCh37 (hg19) VCF-style: chr8-48749826-G-A.
Other names: c.7708C>T, p.Pro2570Ser (NM_001081640.2); short protein forms P2570S.
Identifiers: ClinVar variation 1760245 (VCV001760245.6), dbSNP rs2088047449, ClinGen allele CA371152651.

ClinVar aggregate classification (germline): Uncertain significance. Review status: criteria provided, multiple submitters, no conflicts (2 of 4 stars). 2 submissions from 2 submitters: Uncertain significance (2). Last evaluated 2022-06-02.

Conditions:
Severe combined immunodeficiency due to DNA-PKcs deficiency. Also called: IMMUNODEFICIENCY 26 WITH NEUROLOGIC ABNORMALITIES; Immunodeficiency 26 with or without neurologic abnormalities. Identifiers: Orphanet 317425, MedGen C4014833, MONDO:0014423, OMIM 615966.

Allele frequency attached by ClinVar (database versions not stated): gnomAD exomes below 0.00001; TOPMed below 0.00001.
gnomAD v4.1: 6 of 1,613,840 alleles (0.00037%); highest among the groups gnomAD compares: African/African-American, 0.0013%; no homozygotes.

Submissions (2):

Ambry Genetics
Classification: Uncertain significance. Last evaluated: 2022-06-02. Review status: criteria provided, single submitter. Criteria: Ambry Variant Classification Scheme 2023. Collection method: clinical testing. Allele origin: germline.
Comment: The p.P2570S variant (also known as c.7708C>T), located in coding exon 57 of the PRKDC gene, results from a C to T substitution at nucleotide position 7708. The proline at codon 2570 is replaced by serine, an amino acid with similar properties. This amino acid position is conserved. In addition, the in silico prediction for this alteration is inconclusive. Since supporting evidence is limited at this time, the clinical significance of this alteration remains unclear.

Labcorp Genetics (formerly Invitae), Labcorp
Classification: Uncertain significance for Severe combined immunodeficiency due to DNA-PKcs deficiency. Last evaluated: 2022-04-08. Review status: criteria provided, single submitter. Criteria: Invitae Variant Classification Sherloc (09022015). Collection method: clinical testing. Allele origin: germline.
Comment: This variant is not present in population databases (gnomAD no frequency). In summary, the available evidence is currently insufficient to determine the role of this variant in disease. Therefore, it has been classified as a Variant of Uncertain Significance. Experimental studies and prediction algorithms are not available or were not evaluated, and the functional significance of this variant is currently unknown. This variant has not been reported in the literature in individuals affected with PRKDC-related conditions. This sequence change replaces proline, which is neutral and non-polar, with serine, which is neutral and polar, at codon 2570 of the PRKDC protein (p.Pro2570Ser).